The following is an entry in ClinVar:

ClinVar aggregate classification (germline): Likely benign. Review status: criteria provided, multiple submitters, no conflicts (2 of 4 stars). 5 submissions from 5 submitters: Likely benign (5). Last evaluated 2026-07-01.

Allele frequency attached by ClinVar (database versions not stated): ESP Exome Variant Server 0.00015; 1000 Genomes Project 30x 0.00031; ExAC 0.00036; gnomAD 0.00036 and 0.00039; gnomAD exomes 0.00037 and 0.00051; 1000 Genomes Project 0.00040; TOPMed 0.00051.
gnomAD v4.1: 603 of 1,614,008 alleles (0.037%); highest among the groups gnomAD compares: Middle Eastern, 0.84%; 1 homozygote.

Submissions (5):

CeGaT Center for Human Genetics Tuebingen
Classification: Likely benign. Last evaluated: 2026-07-01. Review status: criteria provided, single submitter. Criteria: CeGaT Center For Human Genetics Tuebingen Variant Classification Criteria Version 2. Collection method: clinical testing. Allele origin: germline. Affected: yes. Observed: 11 variant alleles.
Comment: CIT: BP4, BP7

Labcorp Genetics (formerly Invitae), Labcorp
Classification: Likely benign. Last evaluated: 2025-02-10. Review status: criteria provided, single submitter. Criteria: Invitae Variant Classification Sherloc (09022015). Collection method: clinical testing. Allele origin: germline.

Blueprint Genetics
Classification: Likely benign. Last evaluated: 2024-11-12. Review status: criteria provided, single submitter. Criteria: ACMG Guidelines, 2015. Collection method: clinical testing. Allele origin: germline.

GeneDx
Classification: Likely benign. Last evaluated: 2019-02-22. Review status: criteria provided, single submitter. Criteria: GeneDx Variant Classification Process June 2021. Collection method: clinical testing. Allele origin: germline. Affected: yes.

Breakthrough Genomics
Classification: Likely benign. Review status: criteria provided, single submitter. Criteria: ACMG Guidelines, 2015. Collection method: not provided. Allele origin: germline. Inheritance: Autosomal recessive inheritance. Affected: yes.

NM_001206999.2(CIT):c.4056G>A (p.Ala1352=)

Gene: CIT (citron rho-interacting serine/threonine kinase; minus strand). Cytogenetic location: 12q24.23.
Variant type: single nucleotide variant.
Coding change: c.4056G>A on transcript NM_001206999.2 (MANE Select); coding-DNA position 4056, G replaced by A.
Protein change: p.Ala1352=; no amino-acid change (alanine 1352 retained).
Molecular consequence: synonymous variant.
Genome position (GRCh38, 1-based): chr12:119,718,357, C>T on the plus strand (G>A on the coding strand, the complement: CIT is on the minus strand). VCF-style: chr12-119718357-C-T. GRCh37 (hg19) VCF-style: chr12-120156162-C-T.
Other names: c.3930G>A, p.Ala1310= (NM_007174.3).
Identifiers: ClinVar variation 775316 (VCV000775316.34), dbSNP rs140364771, ClinGen allele CA6821354.
Genomic context (GRCh38, chr12:119,718,357, plus strand): 5'-CATGGCACTGGGCTGGTGCTCTGGCGACCGCACGATGGCGGACATGGCGATCTGCTGCCT[C>T]GCGGTGGCTGGCGTGGATGGGTGTGGGTGGTCCGTTGCTTTGCGGTGGGCAGCTGCAGAG-3'
Protein context (NP_001193928.1, residues 1342-1362): DHPHPSTPAT[Ala1352=]RQQIAMSAIV